The following is an entry in ClinVar:

NM_000414.4(HSD17B4):c.868+1del

Gene: HSD17B4 (hydroxysteroid 17-beta dehydrogenase 4; plus strand). Cytogenetic location: 5q23.1.
Variant type: Deletion.
Coding change: c.868+1del on transcript NM_000414.4 (MANE Select); the canonical splice donor site of the intron after coding-DNA position 868, one base deleted (G; older notation c.868+1delG).
Molecular consequence: splice donor variant.
Genome position (GRCh38, 1-based): chr5:119,493,947, G deleted; the last of 2 consecutive G bases (chr5:119,493,946-119,493,947); deleting either gives the same sequence. VCF-style (leftmost placement, unchanged base first): chr5-119493945-AG-A. GRCh37 (hg19) VCF-style: chr5-118829640-AG-A.
Other names: c.868+1del (NM_000414.3, NM_001374498.1); c.868delG (NM_000414.3); c.457+1del (NM_001374503.1, NM_001374502.1, NM_001374501.1); c.943+1del (NM_001199291.3); c.541+1del (NM_001374499.1); c.427+1del (NM_001374500.1); c.448+1del (NM_001292028.2); c.796+1del (NM_001292027.2); and 4 more.
Identifiers: ClinVar variation 632857 (VCV000632857.21), dbSNP rs749532705, ClinGen allele CA3381999.
Genomic context (GRCh38, chr5:119,493,945, plus strand): 5'-CAAGGCTAACTGGAAGAAGATCTGTGACTTTGAGAATGCCAGCAAGCCTCAGAGTATCCA[AG>A]GTAAAGAGAGTCCCCGTCACTTAGCCCTGGTTGGGGAATCAGAGGCAGCAAGCATTTTCT-3'

ClinVar aggregate classification (germline): Pathogenic/Likely pathogenic. Review status: criteria provided, multiple submitters, no conflicts (2 of 4 stars). 8 submissions from 8 submitters: Pathogenic (5); Likely pathogenic (3). Last evaluated 2026-09-15.

Conditions:
Perrault syndrome 1 (PRLTS1). Also called: GONADAL DYSGENESIS, XX TYPE, WITH DEAFNESS; OVARIAN DYSGENESIS WITH SENSORINEURAL DEAFNESS. Identifiers: Orphanet 2855, Orphanet 642945, MedGen C4551721, MONDO:0009300, OMIM 233400.
Bifunctional peroxisomal enzyme deficiency (DBIF). Also called: DBP DEFICIENCY; PBFE DEFICIENCY; D-bifunctional protein deficiency. Identifiers: Orphanet 300, MedGen C0342870, MONDO:0009855, OMIM 261515. Disease mechanism: loss of function.
HSD17B4-related disorder. Also called: HSD17B4-related condition; HSD17B4-related disorders.
Perrault syndrome. Also called: Gonadal dysgenesis with auditory dysfunction, autosomal recessive inheritance. Identifiers: Orphanet 2855, MedGen C0685838, MONDO:0017312.

Submissions (8):

GeneDx
Classification: Likely pathogenic. Last evaluated: 2026-09-15. Review status: criteria provided, single submitter. Criteria: GeneDx Variant Classification Process June 2021. Collection method: clinical testing. Allele origin: germline.
Comment: Canonical splice site variant predicted to result in an in-frame loss of the adjacent exon in a gene for which loss of function is a known mechanism of disease; Not observed at significant frequency in large population cohorts (gnomAD); This variant is associated with the following publications: (PMID: 20673864, 16385454, 11810648, 41367148, 28759667, 32904102)

PreventionGenetics, part of Exact Sciences
Classification: Likely pathogenic for HSD17B4-related condition. Last evaluated: 2025-11-10. Review status: criteria provided, single submitter. Criteria: ACMG Guidelines, 2015. Collection method: clinical testing. Allele origin: germline.
Comment: The HSD17B4 c.868+1delG variant is predicted to result in a deletion affecting a canonical splice site. This variant has been reported in the compound heterozygous state with a suspected pathogenic missense variant in unrelated individuals with autosomal recessive D-bifunctional protein deficiency (Landau et al. 2020. PubMed ID: 32904102). This variant is reported in 0.012% of alleles in individuals of Latino descent in gnomAD. Variants that disrupt the consensus splice donor site in HSD17B4 are expected to be pathogenic. This variant is interpreted as likely pathogenic.

Natera, Inc.
Classification: Pathogenic for Bifunctional peroxisomal enzyme deficiency. Last evaluated: 2025-02-17. Review status: criteria provided, single submitter. Criteria: Natera Variant Classification Schema (03/2026). Collection method: clinical testing. Allele origin: germline.
Comment: The c.868+1delG variant in HSD17B4 is a canonical splice donor site variant predicted to affect pre-mRNA splicing, which may result in an abnormal transcript and altered protein product. This variant is expected to result in nonsense mediated decay, truncation, or a dysfunctional protein product. This variant is rare in the general population with a frequency below the threshold expected for the associated phenotype(s). This variant has been observed in one or more individuals affected with the associated recessive disease, as either homozygous or compound heterozygous with a second variant (PMID: 32904102, 28759667). Given the available evidence, this variant is classified as Pathogenic.

Women's Health and Genetics/Laboratory Corporation of America, LabCorp
Classification: Pathogenic for Bifunctional peroxisomal enzyme deficiency. Last evaluated: 2025-01-22. Review status: criteria provided, single submitter. Criteria: LabCorp Variant Classification Summary - May 2015. Collection method: clinical testing. Allele origin: germline.
Comment: Variant summary: HSD17B4 c.868+1delG is located in a canonical splice-site and is predicted to affect mRNA splicing resulting in a significantly altered protein due to either exon skipping, shortening, or inclusion of intronic material. Variants that disrupt the consensus splice site are a relatively common cause of aberrant splicing and loss of HSD17B4 function. Several computational tools predict a significant impact on normal splicing: Four predict the variant abolishes a 5' splicing donor site. Three predict the variant creates a 5' donor site. However, these predictions have yet to be confirmed by functional studies. The variant allele was found at a frequency of 1.6e-05 in 250944 control chromosomes. c.868+1delG has been reported in the literature in individuals affected with D-Bifunctional Protein Deficiency (Landau_2022, Invitae). To our knowledge, no experimental evidence demonstrating an impact on protein function has been reported. The following publication have been ascertained in the context of this evaluation (PMID: 32904102). ClinVar contains an entry for this variant (Variation ID: 632857). Based on the evidence outlined above, the variant was classified as pathogenic.

Labcorp Genetics (formerly Invitae), Labcorp
Classification: Pathogenic for Perrault syndrome; Bifunctional peroxisomal enzyme deficiency. Last evaluated: 2024-11-18. Review status: criteria provided, single submitter. Criteria: Invitae Variant Classification Sherloc (09022015). Collection method: clinical testing. Allele origin: germline.
Comment: This sequence change creates a premature translational stop signal (Splice site) in the HSD17B4 gene. It is expected to result in an absent or disrupted protein product. Loss-of-function variants in HSD17B4 are known to be pathogenic (PMID: 11810648, 16385454, 20673864). This variant is present in population databases (rs749532705, gnomAD 0.01%). This premature translational stop signal has been observed in individual(s) with D-bifunctional protein deficiency (PMID: 32904102; internal data). In at least one individual the data is consistent with being in trans (on the opposite chromosome) from a pathogenic variant. It has also been observed to segregate with disease in related individuals. This variant is also known as c.868+1del. ClinVar contains an entry for this variant (Variation ID: 632857). Algorithms developed to predict the effect of sequence changes on RNA splicing suggest that this variant may disrupt the consensus splice site. For these reasons, this variant has been classified as Pathogenic.

Fulgent Genetics
Classification: Pathogenic for Perrault syndrome 1; Bifunctional peroxisomal enzyme deficiency. Last evaluated: 2024-06-14. Review status: criteria provided, single submitter. Criteria: ACMG Guidelines, 2015. Collection method: clinical testing. Allele origin: germline.

Baylor Genetics
Classification: Pathogenic for Bifunctional peroxisomal enzyme deficiency. Last evaluated: 2024-02-24. Review status: criteria provided, single submitter. Criteria: ACMG Guidelines, 2015. Collection method: clinical testing. Allele origin: unknown.

Rady Children's Institute for Genomic Medicine, Rady Children's Hospital San Diego
Classification: Likely pathogenic for D-BIFUNCTIONAL PROTEIN DEFICIENCY. Last evaluated: 2020-09-04. Review status: criteria provided, single submitter. Criteria: ACMG Guidelines, 2015. Collection method: clinical testing. Allele origin: germline. Affected: yes.
Comment: This frameshifting variant in exon 12 of 25 introduces a premature stop codon and is therefore predicted to result in loss of normal protein function through either protein truncation or nonsense-mediated mRNA decay (NMD). This variant has not been previously reported or functionally characterized in the literature to our knowledge. It is present in the heterozygous state in the gnomAD population database at a frequency of 0.002% (4/250944) and thus is presumed to be rare. Based on the available evidence, the c.943+1del variant is classified as Likely Pathogenic.

Literature cited by the submitters: PubMed 32904102 (cited by 3 submitters); PubMed 28759667 (cited by Natera, Inc.); PubMed 11810648 (cited by Labcorp Genetics (formerly Invitae), Labcorp); PubMed 16385454 (cited by Labcorp Genetics (formerly Invitae), Labcorp); PubMed 20673864 (cited by Labcorp Genetics (formerly Invitae), Labcorp).